The following is an entry in ClinVar:

NM_002485.5(NBN):c.736G>T (p.Gly246Cys)

Gene: NBN (nibrin; minus strand). Cytogenetic location: 8q21.3.
Variant type: single nucleotide variant.
Coding change: c.736G>T on transcript NM_002485.5 (MANE Select); coding-DNA position 736, G replaced by T.
Protein change: p.Gly246Cys; replaces glycine 246 with cysteine.
Molecular consequence: missense variant.
Genome position (GRCh38, 1-based): chr8:89,970,524, C>A on the plus strand (G>T on the coding strand, the complement: NBN is on the minus strand). VCF-style: chr8-89970524-C-A. GRCh37 (hg19) VCF-style: chr8-90982752-C-A.
Other names: c.490G>T, p.Gly164Cys (NM_001024688.3); short protein forms G164C, G246C.
Identifiers: ClinVar variation 2118108 (VCV002118108.4), dbSNP rs1064793212, ClinGen allele CA371658828.

ClinVar aggregate classification (germline): Uncertain significance (1 of 4 stars; one submission).

Conditions:
Microcephaly, normal intelligence and immunodeficiency (NBS). Also called: Nijmegen breakage syndrome; Microcephaly with normal intelligence immunodeficiency and lymphoreticular malignancies; Nonsyndromal microcephaly autosomal recessive with normal intelligence; Seemanova syndrome 2; Immunodeficiency, microcephaly with normal intelligence; Ataxia telangiectasia variant V1. Identifiers: Orphanet 647, MedGen C0398791, MONDO:0009623, OMIM 251260.

Submission:

Labcorp Genetics (formerly Invitae), Labcorp
Classification: Uncertain significance for Microcephaly, normal intelligence and immunodeficiency. Last evaluated: 2022-04-22. Review status: criteria provided, single submitter. Criteria: Invitae Variant Classification Sherloc (09022015). Collection method: clinical testing. Allele origin: germline.
Comment: In summary, the available evidence is currently insufficient to determine the role of this variant in disease. Therefore, it has been classified as a Variant of Uncertain Significance. Algorithms developed to predict the effect of missense changes on protein structure and function are either unavailable or do not agree on the potential impact of this missense change (SIFT: "Deleterious"; PolyPhen-2: "Probably Damaging"; Align-GVGD: "Class C0"). This variant has not been reported in the literature in individuals affected with NBN-related conditions. This variant is not present in population databases (gnomAD no frequency). This sequence change replaces glycine, which is neutral and non-polar, with cysteine, which is neutral and slightly polar, at codon 246 of the NBN protein (p.Gly246Cys).